The following is an entry in ClinVar:

ClinVar aggregate classification (germline): Likely pathogenic. Review status: criteria provided, multiple submitters, no conflicts (2 of 4 stars). 2 submissions from 2 submitters: Likely pathogenic (2). Last evaluated 2019-09-21.

Conditions:
Familial hypocalciuric hypercalcemia (FHH). Also called: Familial benign hypercalcemia. Identifiers: Orphanet 405, MedGen C1809471, MONDO:0018458.
Autosomal dominant hypocalcemia 1 (HYPOC1). Also called: HYPOCALCEMIA, FAMILIAL. Identifiers: MedGen C3715128, MONDO:0011013, OMIM 601198.
Neonatal severe primary hyperparathyroidism. Identifiers: Orphanet 417, MedGen C1832615, MONDO:0009397, OMIM 239200.

Submissions (2):

Labcorp Genetics (formerly Invitae), Labcorp
Classification: Likely pathogenic for Familial hypocalciuric hypercalcemia; Autosomal dominant hypocalcemia 1. Last evaluated: 2019-09-21. Review status: criteria provided, single submitter. Criteria: Invitae Variant Classification Sherloc (09022015). Collection method: clinical testing. Allele origin: germline.
Comment: This variant is not present in population databases (ExAC no frequency). In summary, the currently available evidence indicates that the variant is pathogenic, but additional data are needed to prove that conclusively. Therefore, this variant has been classified as Likely Pathogenic. Donor and acceptor splice site variants typically lead to a loss of protein function (PMID: 16199547), and loss-of-function variants in CASR are known to be pathogenic (PMID: 22422767). Algorithms developed to predict the effect of sequence changes on RNA splicing suggest that this variant may disrupt the consensus splice site, but this prediction has not been confirmed by published transcriptional studies. This variant has not been reported in the literature in individuals with CASR-related conditions. This sequence change affects an acceptor splice site in intron 3 of the CASR gene. It is expected to disrupt RNA splicing and likely results in an absent or disrupted protein product.

Neuberg Centre For Genomic Medicine, NCGM
Classification: Likely pathogenic for Neonatal severe primary hyperparathyroidism. Review status: criteria provided, single submitter. Criteria: ACMG Guidelines, 2015. Collection method: clinical testing. Allele origin: germline. Inheritance: Autosomal recessive inheritance. Affected: yes.
Comment: The splice site variant c.493-2A>C in CASR gene has not been reported previously as a pathogenic variant nor as a benign variant, to our knowledge. This variant has been reported to the ClinVar database as Likely Pathogenic. The c.493-2A>C variant is novel (not in any individuals) in gnomAD Exomes and 1000 Genomes. The variant affects an invariant splice nucleotide and is expected to cause loss of function. Loss of function variants have been previously reported to be disease causing. For these reasons, this variant has been classified as Likely Pathogenic .

Literature cited by the submitters: PubMed 16199547 (cited by Labcorp Genetics (formerly Invitae), Labcorp); PubMed 22422767 (cited by Labcorp Genetics (formerly Invitae), Labcorp).

NM_000388.4(CASR):c.493-2A>C

Gene: CASR (calcium sensing receptor; plus strand). Cytogenetic location: 3q21.1.
Variant type: single nucleotide variant.
Coding change: c.493-2A>C on transcript NM_000388.4 (MANE Select); the canonical splice acceptor site of the intron before coding-DNA position 493, A replaced by C.
Molecular consequence: splice acceptor variant.
Genome position (GRCh38, 1-based): chr3:122,261,526, A>C. VCF-style: chr3-122261526-A-C. GRCh37 (hg19) VCF-style: chr3-121980373-A-C.
Other names: c.493-2A>C (NM_001178065.2).
Identifiers: ClinVar variation 956956 (VCV000956956.8), dbSNP rs1576857818, ClinGen allele CA354150700.